The following is an entry in ClinVar:

ClinVar aggregate classification (germline): Uncertain significance (1 of 4 stars; one submission).

Conditions:
Long QT syndrome (LQTS). Identifiers: MedGen C0023976, MeSH D008133, MONDO:0002442. Disease mechanism: loss of function. Inheritance: Various modes of inheritance.

Submission:

Labcorp Genetics (formerly Invitae), Labcorp
Classification: Uncertain significance for Long QT syndrome. Last evaluated: 2022-04-05. Review status: criteria provided, single submitter. Criteria: Invitae Variant Classification Sherloc (09022015). Collection method: clinical testing. Allele origin: germline.
Comment: This variant has not been reported in the literature in individuals affected with KCNH2-related conditions. In summary, the available evidence is currently insufficient to determine the role of this variant in disease. Therefore, it has been classified as a Variant of Uncertain Significance. Algorithms developed to predict the effect of missense changes on protein structure and function (SIFT, PolyPhen-2, Align-GVGD) all suggest that this variant is likely to be tolerated. This variant is not present in population databases (gnomAD no frequency). This sequence change replaces glycine, which is neutral and non-polar, with arginine, which is basic and polar, at codon 1085 of the KCNH2 protein (p.Gly1085Arg).

NM_000238.4(KCNH2):c.3253G>C (p.Gly1085Arg)

Gene: KCNH2 (potassium voltage-gated channel subfamily H member 2; minus strand). Cytogenetic location: 7q36.1.
Variant type: single nucleotide variant.
Coding change: c.3253G>C on transcript NM_000238.4 (MANE Select); coding-DNA position 3253, G replaced by C.
Protein change: p.Gly1085Arg; replaces glycine 1085 with arginine.
Molecular consequence: missense variant.
Genome position (GRCh38, 1-based): chr7:150,946,954, C>G on the plus strand (G>C on the coding strand, the complement: KCNH2 is on the minus strand). VCF-style: chr7-150946954-C-G. GRCh37 (hg19) VCF-style: chr7-150644042-C-G.
Other names: c.2965G>C, p.Gly989Arg (NM_001406753.1); c.2233G>C, p.Gly745Arg (NM_172057.3); short protein forms G989R, G1085R, G745R.
Identifiers: ClinVar variation 2121791 (VCV002121791.4), dbSNP rs2486000745, ClinGen allele CA369852103.